The following is an entry in ClinVar:

ClinVar aggregate classification (germline): Uncertain significance (1 of 4 stars; one submission).

Allele frequency attached by ClinVar (database versions not stated): gnomAD exomes below 0.00001; ExAC 0.00001.
gnomAD v4.1: 1 of 1,612,720 alleles (0.000062%); highest among the groups gnomAD compares: Non-Finnish European, 0.000085%; no homozygotes.

Submission:

Labcorp Genetics (formerly Invitae), Labcorp
Classification: Uncertain significance. Last evaluated: 2020-08-05. Review status: criteria provided, single submitter. Criteria: Invitae Variant Classification Sherloc (09022015). Collection method: clinical testing. Allele origin: germline.
Comment: In summary, the available evidence is currently insufficient to determine the role of this variant in disease. Therefore, it has been classified as a Variant of Uncertain Significance. The current clinical and genetic evidence is not sufficient to establish whether loss-of-function variants in PRPF6 cause disease. Algorithms developed to predict the effect of sequence changes on RNA splicing suggest that this variant may disrupt the consensus splice site, but this prediction has not been confirmed by published transcriptional studies. This variant has not been reported in the literature in individuals with PRPF6-related conditions. This variant is present in population databases (rs111472698, ExAC 0.002%). This sequence change affects an acceptor splice site in intron 18 of the PRPF6 gene. It is expected to disrupt RNA splicing and likely results in an absent or disrupted protein product.

NM_012469.4(PRPF6):c.2432-2A>G

Gene: PRPF6 (pre-mRNA processing factor 6; plus strand). Cytogenetic location: 20q13.33.
Variant type: single nucleotide variant.
Coding change: c.2432-2A>G on transcript NM_012469.4 (MANE Select); the canonical splice acceptor site of the intron before coding-DNA position 2432, A replaced by G.
Molecular consequence: splice acceptor variant.
Genome position (GRCh38, 1-based): chr20:64,029,375, A>G. VCF-style: chr20-64029375-A-G. GRCh37 (hg19) VCF-style: chr20-62660728-A-G.
Identifiers: ClinVar variation 1021504 (VCV001021504.7), dbSNP rs111472698, ClinGen allele CA9972496.